The following is an entry in ClinVar:

NM_014244.5(ADAMTS2):c.139+3A>G

Gene: ADAMTS2 (ADAM metallopeptidase with thrombospondin type 1 motif 2; minus strand). Cytogenetic location: 5q35.3.
Variant type: single nucleotide variant.
Coding change: c.139+3A>G on transcript NM_014244.5 (MANE Select); 3 bases into the intron after coding-DNA position 139, A replaced by G.
Molecular consequence: intron variant.
Genome position (GRCh38, 1-based): chr5:179,345,187, T>C on the plus strand (A>G on the coding strand, the complement: ADAMTS2 is on the minus strand). VCF-style: chr5-179345187-T-C. GRCh37 (hg19) VCF-style: chr5-178772188-T-C.
Other names: c.139+3A>G (NM_021599.4).
Identifiers: ClinVar variation 4689472 (VCV004689472.1).
Genomic context (GRCh38, chr5:179,345,187, plus strand): 5'-GGGCACGCGGGACAGGGCCAGGCCGGCGGGGGTCCCGGGGAGTAGGGGCCGGGCCGCACC[T>C]ACCTGGGGGGTCGGCGGCGGCGGCGAGCCTGGCGTTCGCGGGCGGCGGCGGCGGCGGCAG-3'

ClinVar aggregate classification (germline): Uncertain significance (1 of 4 stars; one submission).

Submission:

Women's Health and Genetics/Laboratory Corporation of America, LabCorp
Classification: Uncertain significance. Last evaluated: 2026-01-12. Review status: criteria provided, single submitter. Criteria: LabCorp Variant Classification Summary - May 2015. Collection method: clinical testing. Allele origin: germline.
Comment: Variant summary: ADAMTS2 c.139+3A>G alters a nucleotide located close to a canonical splice site and therefore could affect mRNA splicing, leading to a significantly altered protein sequence. Several computational tools predict a significant impact on normal splicing: Three predict the variant weakens a 5' donor site. One predict the variant no significant impact on splicing. However, these predictions have yet to be confirmed by functional studies. The frequency data for this variant in gnomAD is considered unreliable, as metrics indicate poor data quality at this position. To our knowledge, no occurrence of c.139+3A>G in individuals affected with ADAMTS2-related conditions and no experimental evidence demonstrating its impact on protein function have been reported. No submitters have cited clinical-significance assessments for this variant to ClinVar. Based on the evidence outlined above, the variant was classified as uncertain significance.